The following is an entry in ClinVar:

ClinVar aggregate classification (germline): Pathogenic (1 of 4 stars; one submission).

Conditions:
Autosomal recessive limb-girdle muscular dystrophy type 2D (LGMDR3). Also called: ADHALINOPATHY, PRIMARY; MUSCULAR DYSTROPHY, LIMB-GIRDLE, AUTOSOMAL RECESSIVE 3; DUCHENNE-LIKE AUTOSOMAL RECESSIVE MUSCULAR DYSTROPHY, TYPE 2. Identifiers: Orphanet 62, MedGen C2936332, MONDO:0011968, OMIM 608099. Disease mechanism: Affects gamma-sarcoglycan and also disrupts the integrity of the entire sarcoglycan complex..

Submission:

Labcorp Genetics (formerly Invitae), Labcorp
Classification: Pathogenic for Autosomal recessive limb-girdle muscular dystrophy type 2D. Last evaluated: 2022-07-19. Review status: criteria provided, single submitter. Criteria: Invitae Variant Classification Sherloc (09022015). Collection method: clinical testing. Allele origin: germline.
Comment: For these reasons, this variant has been classified as Pathogenic. Algorithms developed to predict the effect of sequence changes on RNA splicing suggest that this variant may disrupt the consensus splice site. ClinVar contains an entry for this variant (Variation ID: 573660). Disruption of this splice site has been observed in individuals with clinical features of limb-girdle muscular dystrophy (PMID: 12746421; Invitae). This variant is not present in population databases (gnomAD no frequency). This sequence change affects an acceptor splice site in intron 5 of the SGCA gene. It is expected to disrupt RNA splicing. Variants that disrupt the donor or acceptor splice site typically lead to a loss of protein function (PMID: 16199547), and loss-of-function variants in SGCA are known to be pathogenic (PMID: 9192266).

Literature cited by the submitters: PubMed 12746421; PubMed 16199547; PubMed 9192266.

NM_000023.4(SGCA):c.585-2A>C

Gene: SGCA (sarcoglycan alpha; plus strand). Cytogenetic location: 17q21.33.
Variant type: single nucleotide variant.
Coding change: c.585-2A>C on transcript NM_000023.4 (MANE Select); the canonical splice acceptor site of the intron before coding-DNA position 585, A replaced by C.
Molecular consequence: splice acceptor variant. On other transcripts: intron variant (1).
Genome position (GRCh38, 1-based): chr17:50,169,090, A>C. VCF-style: chr17-50169090-A-C. GRCh37 (hg19) VCF-style: chr17-48246451-A-C.
Other names: c.584+518A>C (NM_001135697.3).
Identifiers: ClinVar variation 573660 (VCV000573660.11), dbSNP rs1555568965, ClinGen allele CA400180236.
Genomic context (GRCh38, chr17:50,169,090, plus strand): 5'-CAGAGTGGTGCCTCGTGCCCCCTGCCCCCACTCTGCTGACAGTGACTTCTATCTGGTCCC[A>C]GGGTATACATTAAGGTGGGTTCTGCCTCACCTTTTTCTACTTGCCTGAAGATGGTGGCAT-3'